The following is an entry in ClinVar:

NM_000628.5(IL10RB):c.954G>A (p.Pro318=)

Genes: IFNAR2-IL10RB (IFNAR2-IL10RB readthrough; plus strand), IL10RB (interleukin 10 receptor subunit beta; plus strand). Cytogenetic location: 21q22.11.
Variant type: single nucleotide variant.
Coding change: c.954G>A on transcript NM_000628.5 (MANE Select); coding-DNA position 954, G replaced by A.
Protein change: p.Pro318=; no amino-acid change (proline 318 retained).
Molecular consequence: synonymous variant.
Genome position (GRCh38, 1-based): chr21:33,296,333, G>A. VCF-style: chr21-33296333-G-A. GRCh37 (hg19) VCF-style: chr21-34668638-G-A.
Identifiers: ClinVar variation 1528177 (VCV001528177.9), dbSNP rs374161818, ClinGen allele CA10006293.
Genomic context (GRCh38, chr21:33,296,333, plus strand): 5'-TGCAGAAGACTCTGAGAGCGGCAAGCAGAATCCTGGTGACAGCTGCAGCCTCGGGACCCC[G>A]CCTGGGCAGGGGCCCCAAAGCTAGGCTCTGAGAAGGAAACACACTCGGCTGGGCACAGTG-3'
Protein context (NP_000619.3, residues 308-325): NPGDSCSLGT[Pro318=]PGQGPQS

ClinVar aggregate classification (germline): Conflicting classifications of pathogenicity. Review status: criteria provided, conflicting classifications (1 of 4 stars). 3 submissions from 3 submitters: Uncertain significance (1); Likely benign (2). Last evaluated 2026-01-05.

Conditions:
Inflammatory bowel disease 25. Also called: Inflammatory bowel disease 25, early onset, autosomal recessive. Identifiers: Orphanet 238569, MedGen C2675508, MONDO:0012941, OMIM 612567.

Allele frequency attached by ClinVar (database versions not stated): ExAC 0.00007; gnomAD exomes 0.00008; TOPMed 0.00011; gnomAD 0.00013 and 0.00014; ESP Exome Variant Server 0.00015; 1000 Genomes Project 30x 0.00016; 1000 Genomes Project 0.00020.
gnomAD v4.1: 79 of 1,613,802 alleles (0.0049%); highest among the groups gnomAD compares: South Asian, 0.029%; no homozygotes.

Submissions (3):

Labcorp Genetics (formerly Invitae), Labcorp
Classification: Likely benign for Inflammatory bowel disease 25. Last evaluated: 2026-01-05. Review status: criteria provided, single submitter. Criteria: Invitae Variant Classification Sherloc (09022015). Collection method: clinical testing. Allele origin: germline.

Blueprint Genetics
Classification: Likely benign. Last evaluated: 2024-10-09. Review status: criteria provided, single submitter. Criteria: ACMG Guidelines, 2015. Collection method: clinical testing. Allele origin: germline.

Center for Genomics, Ann and Robert H. Lurie Children's Hospital of Chicago
Classification: Uncertain significance for Inflammatory bowel disease 25. Last evaluated: 2022-03-02. Review status: criteria provided, single submitter. Criteria: ACMG Guidelines, 2015. Collection method: clinical testing. Allele origin: germline.
Comment: IL10RB NM_000628.4 exon 7 p.Pro318= (c.954G>A): This variant has not been reported in the literature but is present in 0.03% (13/41442) of African alleles in the Genome Aggregation Database. Evolutionary conservation and computational predictive tools for this variant are limited or unavailable. Of note, this variant is a silent variant and does not change the amino acid, reducing the probability that this variant is disease causing. In summary, data on this variant is insufficient for disease classification. Therefore, the clinical significance of this variant is uncertain.